The following is an entry in ClinVar:

ClinVar aggregate classification (germline): Pathogenic (1 of 4 stars; one submission).

Conditions:
Bethlem myopathy 1A. Also called: Bethlem myopathy 1; MYOPATHY, BENIGN CONGENITAL, WITH CONTRACTURES; Bethlem Muscular Dystrophy. Identifiers: Orphanet 610, MedGen CN029274, MONDO:0024530, OMIM 158810.

Submission:

Labcorp Genetics (formerly Invitae), Labcorp
Classification: Pathogenic for Bethlem myopathy 1A. Last evaluated: 2024-05-21. Review status: criteria provided, single submitter. Criteria: Invitae Variant Classification Sherloc (09022015). Collection method: clinical testing. Allele origin: germline.
Comment: This sequence change creates a premature translational stop signal (p.Asp736Glyfs*6) in the COL6A2 gene. It is expected to result in an absent or disrupted protein product. Loss-of-function variants in COL6A2 are known to be pathogenic (PMID: 19884007, 20976770). This variant is not present in population databases (gnomAD no frequency). This variant has not been reported in the literature in individuals affected with COL6A2-related conditions. For these reasons, this variant has been classified as Pathogenic.

Literature cited by the submitters: PubMed 19884007; PubMed 20976770.

NM_001849.4(COL6A2):c.2206dup (p.Asp736fs)

Gene: COL6A2 (collagen type VI alpha 2 chain; plus strand). Cytogenetic location: 21q22.3.
Variant type: Duplication.
Coding change: c.2206dup on transcript NM_001849.4 (MANE Select); coding-DNA position 2206, one base duplicated (G; older notation c.2206dupG).
Protein change: p.Asp736fs; shifts the reading frame from aspartic acid 736.
Molecular consequence: frameshift variant.
Genome position (GRCh38, 1-based): chr21:46,126,021, G duplicated. VCF-style (leftmost placement, unchanged base first): chr21-46126020-C-CG. GRCh37 (hg19) VCF-style: chr21-47545934-C-CG.
Other names: c.2206dup, p.Asp736fs (NM_058174.3, NM_058175.3); short protein forms D736fs.
Identifiers: ClinVar variation 3647535 (VCV003647535.2).
Genomic context (GRCh38, chr21:46,126,020, plus strand): 5'-CAAGGAGAGCCGGCGCCAGAAGACACGTGTGTTTGCGGTGGTCATCACGGACGGGCGCCA[C>CG]GACCCTCGGGACGATGACCTCAACTTGCGGGCGCTGTGCGACCGCGACGTCACAGTGACG-3'